The following is an entry in ClinVar:

NM_000071.3(CBS):c.1640A>T (p.Glu547Val)

Gene: CBS (cystathionine beta-synthase; minus strand). Cytogenetic location: 21q22.3.
Variant type: single nucleotide variant.
Coding change: c.1640A>T on transcript NM_000071.3 (MANE Select); coding-DNA position 1640, A replaced by T.
Protein change: p.Glu547Val; replaces glutamic acid 547 with valine.
Molecular consequence: missense variant.
Genome position (GRCh38, 1-based): chr21:43,053,896, T>A on the plus strand (A>T on the coding strand, the complement: CBS is on the minus strand). VCF-style: chr21-43053896-T-A. GRCh37 (hg19) VCF-style: chr21-44474006-T-A.
Other names: c.1640A>T, p.Glu547Val (NM_001178008.3, NM_001178009.3, NM_001320298.2); c.1325A>T, p.Glu442Val (NM_001321072.1); short protein forms E442V, E547V.
Identifiers: ClinVar variation 4685677 (VCV004685677.1).

ClinVar aggregate classification (germline): Uncertain significance (1 of 4 stars; one submission).

Submission:

ARUP Laboratories, Molecular Genetics and Genomics, ARUP Laboratories
Classification: Uncertain significance. Last evaluated: 2025-03-12. Review status: criteria provided, single submitter. Criteria: ARUP Molecular Germline Variant Investigation Process 2024. Collection method: clinical testing. Allele origin: germline.
Comment: The CBS c.1640A>T; p.Glu547Val variant, to our knowledge, is not reported in the medical literature or gene specific databases. This variant is also absent from the Genome Aggregation Database (v2.1.1), indicating it is not a common polymorphism. Computational analyses are uncertain whether this variant is neutral or deleterious (REVEL: 0.634). Due to limited information, the clinical significance of this variant is uncertain at this time.